The following is an entry in ClinVar:

NM_014611.3(MDN1):c.10719G>A (p.Glu3573=)

Gene: MDN1 (midasin AAA ATPase 1; minus strand). Cytogenetic location: 6q15.
Variant type: single nucleotide variant.
Coding change: c.10719G>A on transcript NM_014611.3 (MANE Select); coding-DNA position 10719, G replaced by A.
Protein change: p.Glu3573=; no amino-acid change (glutamic acid 3573 retained).
Molecular consequence: synonymous variant.
Genome position (GRCh38, 1-based): chr6:89,690,703, C>T on the plus strand (G>A on the coding strand, the complement: MDN1 is on the minus strand). VCF-style: chr6-89690703-C-T. GRCh37 (hg19) VCF-style: chr6-90400422-C-T.
Identifiers: ClinVar variation 3058544 (VCV003058544.2), dbSNP rs565519604, ClinGen allele CA3923530.
Genomic context (GRCh38, chr6:89,690,703, plus strand): 5'-CCAAAACACACCCTGCCATCACTGCTCTACCTTTTCATGCAGGGGGAACTGTTTTCTGAA[C>T]TCCCGTTCTTCCTCCTCCTCTTCACTCAGGGCTGTCCTAGAGTTCCTGCTCCTGTATCTA-3'
Protein context (NP_055426.1, residues 3563-3583): ALSEEEEEER[Glu3573=]FRKQFPLHEK

ClinVar aggregate classification (germline): Likely benign (0 of 4 stars; one submission).

Conditions:
MDN1-related disorder. Also called: MDN1-related condition.

Allele frequency attached by ClinVar (database versions not stated): TOPMed below 0.00001; gnomAD 0.00007; gnomAD exomes 0.00017; ExAC 0.00039; 1000 Genomes Project 0.00040; 1000 Genomes Project 30x 0.00078.
gnomAD v4.1: 254 of 1,614,172 alleles (0.016%); highest among the groups gnomAD compares: South Asian, 0.26%; 2 homozygotes.

Submission:

PreventionGenetics, part of Exact Sciences
Classification: Likely benign for MDN1-related condition. Last evaluated: 2019-04-25. Review status: no assertion criteria provided. Collection method: clinical testing. Allele origin: germline.
Comment: This variant is classified as likely benign based on ACMG/AMP sequence variant interpretation guidelines (Richards et al. 2015 PMID: 25741868, with internal and published modifications).